The following is an entry in ClinVar:

NM_001204.7(BMPR2):c.1211T>C (p.Val404Ala)

Gene: BMPR2 (bone morphogenetic protein receptor type 2; plus strand). Cytogenetic location: 2q33.2.
Variant type: single nucleotide variant.
Coding change: c.1211T>C on transcript NM_001204.7 (MANE Select); coding-DNA position 1211, T replaced by C.
Protein change: p.Val404Ala; replaces valine 404 with alanine.
Molecular consequence: missense variant.
Genome position (GRCh38, 1-based): chr2:202,532,667, T>C. VCF-style: chr2-202532667-T-C. GRCh37 (hg19) VCF-style: chr2-203397390-T-C.
Other names: short protein forms V404A.
Identifiers: ClinVar variation 4824906 (VCV004824906.1).

ClinVar aggregate classification (germline): Uncertain significance (1 of 4 stars; one submission).

Conditions:
Inborn genetic diseases. Identifiers: MedGen C0950123, MeSH D030342.

gnomAD v4.1: 1 of 1,613,838 alleles (0.000062%); highest among the groups gnomAD compares: Non-Finnish European, 0.000085%; no homozygotes.

Submission:

Ambry Genetics
Classification: Uncertain significance for Inborn genetic diseases. Last evaluated: 2026-01-16. Review status: criteria provided, single submitter. Criteria: Ambry Variant Classification Scheme 2023. Collection method: clinical testing. Allele origin: germline.
Comment: The p.V404A variant (also known as c.1211T>C), located in coding exon 9 of the BMPR2 gene, results from a T to C substitution at nucleotide position 1211. The valine at codon 404 is replaced by alanine, an amino acid with similar properties. This amino acid position is conserved. In addition, this alteration is predicted to be deleterious by in silico analysis. Based on the available evidence, the clinical significance of this variant remains unclear.